The following is an entry in ClinVar:

ClinVar aggregate classification (germline): Uncertain significance. Review status: criteria provided, multiple submitters, no conflicts (2 of 4 stars). 2 submissions from 2 submitters: Uncertain significance (2). Last evaluated 2025-06-01.

Conditions:
Cardiovascular phenotype. Identifiers: MedGen CN230736.
Catecholaminergic polymorphic ventricular tachycardia 1. Also called: RYR2-Related Catecholaminergic Polymorphic Ventricular Tachycardia; VENTRICULAR TACHYCARDIA, CATECHOLAMINERGIC POLYMORPHIC, 1, WITH OR WITHOUT ATRIAL DYSFUNCTION AND/OR DILATED CARDIOMYOPATHY; VENTRICULAR TACHYCARDIA, STRESS-INDUCED POLYMORPHIC 1. Identifiers: Orphanet 3286, MedGen C1631597, MONDO:0011484, OMIM 604772.

Allele frequency attached by ClinVar (database versions not stated): gnomAD 0.00001; gnomAD exomes 0.00001; TOPMed 0.00002.
gnomAD v4.1: 15 of 1,495,312 alleles (0.001%); highest among the groups gnomAD compares: East Asian, 0.038%; no homozygotes.

Submissions (2):

Ambry Genetics
Classification: Uncertain significance for Cardiovascular phenotype. Last evaluated: 2025-06-01. Review status: criteria provided, single submitter. Criteria: Ambry Variant Classification Scheme 2023. Collection method: clinical testing. Allele origin: germline.
Comment: The p.T383I variant (also known as c.1148C>T), located in coding exon 15 of the TRDN gene, results from a C to T substitution at nucleotide position 1148. The threonine at codon 383 is replaced by isoleucine, an amino acid with similar properties. This amino acid position is conserved. In addition, this alteration is predicted to be tolerated by in silico analysis. Based on the available evidence, the clinical significance of this variant remains unclear.

Labcorp Genetics (formerly Invitae), Labcorp
Classification: Uncertain significance for Catecholaminergic polymorphic ventricular tachycardia 1. Last evaluated: 2021-04-19. Review status: criteria provided, single submitter. Criteria: Invitae Variant Classification Sherloc (09022015). Collection method: clinical testing. Allele origin: germline.
Comment: In summary, the available evidence is currently insufficient to determine the role of this variant in disease. Therefore, it has been classified as a Variant of Uncertain Significance. Algorithms developed to predict the effect of missense changes on protein structure and function output the following: SIFT: "Tolerated"; PolyPhen-2: "Possibly Damaging"; Align-GVGD: "Class C0". The isoleucine amino acid residue is found in multiple mammalian species, suggesting that this missense change does not adversely affect protein function. These predictions have not been confirmed by published functional studies and their clinical significance is uncertain. This variant has not been reported in the literature in individuals with TRDN-related conditions. The frequency data for this variant in the population databases is considered unreliable, as metrics indicate poor data quality at this position in the ExAC database. This sequence change replaces threonine with isoleucine at codon 383 of the TRDN protein (p.Thr383Ile). The threonine residue is moderately conserved and there is a moderate physicochemical difference between threonine and isoleucine.

NM_006073.4(TRDN):c.1148C>T (p.Thr383Ile)

Gene: TRDN (triadin; minus strand). Cytogenetic location: 6q22.31.
Variant type: single nucleotide variant.
Coding change: c.1148C>T on transcript NM_006073.4 (MANE Select); coding-DNA position 1148, C replaced by T.
Protein change: p.Thr383Ile; replaces threonine 383 with isoleucine.
Molecular consequence: missense variant.
Genome position (GRCh38, 1-based): chr6:123,382,135, G>A on the plus strand (C>T on the coding strand, the complement: TRDN is on the minus strand). VCF-style: chr6-123382135-G-A. GRCh37 (hg19) VCF-style: chr6-123703280-G-A.
Other names: c.1148C>T (NM_006073.2); c.1151C>T, p.Thr384Ile (NM_001251987.2); short protein forms T383I, T384I.
Identifiers: ClinVar variation 1376260 (VCV001376260.8), dbSNP rs780744224, ClinGen allele CA3984105.